The following is an entry in ClinVar:

NM_001080467.3(MYO5B):c.2470C>T (p.Arg824Cys)

Gene: MYO5B (myosin VB; minus strand). Cytogenetic location: 18q21.1.
Variant type: single nucleotide variant.
Coding change: c.2470C>T on transcript NM_001080467.3 (MANE Select); coding-DNA position 2470, C replaced by T.
Protein change: p.Arg824Cys; replaces arginine 824 with cysteine.
Molecular consequence: missense variant.
Genome position (GRCh38, 1-based): chr18:49,904,773, G>A on the plus strand (C>T on the coding strand, the complement: MYO5B is on the minus strand). VCF-style: chr18-49904773-G-A. GRCh37 (hg19) VCF-style: chr18-47431143-G-A.
Other names: c.2470C>T (NM_001080467.2); short protein forms R824C.
Identifiers: ClinVar variation 1510451 (VCV001510451.14), dbSNP rs777038090, ClinGen allele CA8961063.

ClinVar aggregate classification (germline): Conflicting classifications of pathogenicity. Review status: criteria provided, conflicting classifications (1 of 4 stars). 5 submissions from 5 submitters: Pathogenic (2); Likely pathogenic (1); Uncertain significance (1). 1 of the submissions does not count toward it. Last evaluated 2025-12-16.

Conditions:
MYO5B-related disorder. Also called: MYO5B-related condition.
Cholestasis, progressive familial intrahepatic, 10 (PFIC10). Identifiers: MedGen C5676981, MONDO:0030810, OMIM 619868.
Congenital microvillous atrophy (DIAR2). Also called: CONGENITAL FAMILIAL PROTRACTED DIARRHEA WITH ENTEROCYTE BRUSH-BORDER ABNORMALITIES; DAVIDSON DISEASE; MICROVILLUS ATROPHY, CONGENITAL; Microvillus inclusion disease; Diarrhea 2 with microvillus atrophy, with or without cholestasis. Identifiers: Orphanet 2290, MedGen C0341306, MONDO:0009635, OMIM 251850.

gnomAD v4.1: 14 of 1,613,858 alleles (0.00087%); highest among the groups gnomAD compares: East Asian, 0.0022%; no homozygotes.

Submissions (5):

PreventionGenetics, part of Exact Sciences
Classification: Pathogenic for MYO5B-related condition. Last evaluated: 2025-12-16. Review status: criteria provided, single submitter. Criteria: ACMG Guidelines, 2015. Collection method: clinical testing. Allele origin: germline.
Comment: The MYO5B c.2470C>T variant is predicted to result in the amino acid substitution p.Arg824Cys. This variant has been reported in the compound heterozygous and homozygous states in more than 10 individuals with cholestasis, with the second variant being a truncating variant in multiple cases (Gonzales. 2017. PubMed ID: 27532546; Cockar. 2020. PubMed ID: 32304554; Wang. 2021. PubMed ID: 34811877; Matarazzo. 2022. PubMed ID: 35129155; Qiu. 2017. PubMed ID: 28027573). This variant is reported in 0.0065% of alleles in individuals of African descent in gnomAD. This variant is interpreted as pathogenic.

3billion
Classification: Likely pathogenic for Cholestasis, progressive familial intrahepatic, 10. Last evaluated: 2025-07-04. Review status: criteria provided, single submitter. Criteria: ACMG Guidelines, 2015. Collection method: clinical testing. Allele origin: germline. Affected: yes.
Comment: The variant is observed at an extremely low frequency in the gnomAD v4.1.0 dataset (total allele frequency: <0.001%). Predicted Consequence/Location: Missense variant In silico tool predictions suggest damaging effect of the variant on gene or gene product [REVEL: 0.71 (>=0.6, sensitivity 0.68 and specificity 0.92)]. The same nucleotide change resulting in the same amino acid change has been previously reported as pathogenic/likely pathogenic with strong evidence (ClinVar ID: VCV001510451 /PMID: 27532546 /3billion dataset). The variant has been reported to be in trans with a pathogenic variant as either compound heterozygous or homozygous in at least one similarly affected unrelated individual (PMID: 27532546). Therefore, this variant is classified as Likely pathogenic according to the recommendation of ACMG/AMP guideline.

Mendelics
Classification: Pathogenic for Congenital microvillous atrophy. Last evaluated: 2022-05-04. Review status: criteria provided, single submitter. Criteria: Mendelics Assertion Criteria 2019. Collection method: clinical testing. Allele origin: germline.

Labcorp Genetics (formerly Invitae), Labcorp
Classification: Uncertain significance. Last evaluated: 2021-04-13. Review status: criteria provided, single submitter. Criteria: Invitae Variant Classification Sherloc (09022015). Collection method: clinical testing. Allele origin: germline.
Comment: This sequence change replaces arginine with cysteine at codon 824 of the MYO5B protein (p.Arg824Cys). The arginine residue is moderately conserved and there is a large physicochemical difference between arginine and cysteine. This variant is present in population databases (rs777038090, ExAC 0.01%). This variant has been observed in individual(s) with cholestasis (PMID: 28027573, 27532546). Algorithms developed to predict the effect of missense changes on protein structure and function are either unavailable or do not agree on the potential impact of this missense change (SIFT: "Deleterious"; PolyPhen-2: "Probably Damaging"; Align-GVGD: "Class C0"). In summary, the available evidence is currently insufficient to determine the role of this variant in disease. Therefore, it has been classified as a Variant of Uncertain Significance.

OMIM
Classification: Pathogenic for CHOLESTASIS, PROGRESSIVE FAMILIAL INTRAHEPATIC, 10. Last evaluated: 2022-05-20. Review status: no assertion criteria provided. Collection method: literature only. Allele origin: germline. Not counted in ClinVar's aggregate classification.

Literature cited by the submitters: PubMed 27532546 (cited by 3 submitters); PubMed 28027573 (cited by Labcorp Genetics (formerly Invitae), Labcorp and OMIM); PubMed 32304554 (cited by OMIM).